The following is an entry in ClinVar:

ClinVar aggregate classification (germline): Uncertain significance (1 of 4 stars; one submission).

gnomAD v4.1: 5 of 1,610,184 alleles (0.00031%); highest among the groups gnomAD compares: South Asian, 0.0011%; no homozygotes.

Submission:

Labcorp Genetics (formerly Invitae), Labcorp
Classification: Uncertain significance. Last evaluated: 2025-03-09. Review status: criteria provided, single submitter. Criteria: Invitae Variant Classification Sherloc (09022015). Collection method: clinical testing. Allele origin: germline.
Comment: This sequence change replaces alanine, which is neutral and non-polar, with threonine, which is neutral and polar, at codon 269 of the RPSA protein (p.Ala269Thr). The frequency data for this variant in the population databases is considered unreliable, as metrics indicate poor data quality at this position in the gnomAD database. This variant has not been reported in the literature in individuals affected with RPSA-related conditions. An algorithm developed to predict the effect of missense changes on protein structure and function (PolyPhen-2) suggests that this variant is likely to be tolerated. In summary, the available evidence is currently insufficient to determine the role of this variant in disease. Therefore, it has been classified as a Variant of Uncertain Significance.

NM_002295.6(RPSA):c.805G>A (p.Ala269Thr)

Gene: RPSA (ribosomal protein SA; plus strand). Cytogenetic location: 3p22.1.
Variant type: single nucleotide variant.
Coding change: c.805G>A on transcript NM_002295.6 (MANE Select); coding-DNA position 805, G replaced by A.
Protein change: p.Ala269Thr; replaces alanine 269 with threonine.
Molecular consequence: missense variant.
Genome position (GRCh38, 1-based): chr3:39,412,285, G>A. VCF-style: chr3-39412285-G-A. GRCh37 (hg19) VCF-style: chr3-39453776-G-A.
Other names: c.820G>A, p.Ala274Thr (NM_001304288.2); short protein forms A274T, A269T.
Identifiers: ClinVar variation 4762777 (VCV004762777.1).
Genomic context (GRCh38, chr3:39,412,285, plus strand): 5'-ACTACATTGAGGACAGAGCTGATGGCTTTTTTTGGTATTCTCTTAACAGAAGACTGGAGC[G>A]CTCAGCCTGCCACGGAAGACTGGTCTGCAGCTCCCACTGCTCAGGCCACTGAATGGGTAG-3'
Protein context (NP_002286.2, residues 259-279): IQQFPTEDWS[Ala269Thr]QPATEDWSAA